The following is an entry in ClinVar:

ClinVar aggregate classification (germline): Uncertain significance (1 of 4 stars; one submission).

Conditions:
Dilated cardiomyopathy 1DD (CMD1DD). Identifiers: Orphanet 154, MedGen C2750995, MONDO:0013168, OMIM 613172.

Submission:

Labcorp Genetics (formerly Invitae), Labcorp
Classification: Uncertain significance for Dilated cardiomyopathy 1DD. Last evaluated: 2022-01-15. Review status: criteria provided, single submitter. Criteria: Invitae Variant Classification Sherloc (09022015). Collection method: clinical testing. Allele origin: germline.
Comment: In summary, the available evidence is currently insufficient to determine the role of this variant in disease. Therefore, it has been classified as a Variant of Uncertain Significance. Advanced modeling of protein sequence and biophysical properties (such as structural, functional, and spatial information, amino acid conservation, physicochemical variation, residue mobility, and thermodynamic stability) performed at Invitae indicates that this missense variant is not expected to disrupt RBM20 protein function. This variant has not been reported in the literature in individuals affected with RBM20-related conditions. This variant is not present in population databases (gnomAD no frequency). This sequence change replaces asparagine, which is neutral and polar, with histidine, which is basic and polar, at codon 849 of the RBM20 protein (p.Asn849His).

NM_001134363.3(RBM20):c.2545A>C (p.Asn849His)

Gene: RBM20 (RNA binding motif protein 20; plus strand). Cytogenetic location: 10q25.2.
Variant type: single nucleotide variant.
Coding change: c.2545A>C on transcript NM_001134363.3 (MANE Select); coding-DNA position 2545, A replaced by C.
Protein change: p.Asn849His; replaces asparagine 849 with histidine.
Molecular consequence: missense variant.
Genome position (GRCh38, 1-based): chr10:110,812,942, A>C. VCF-style: chr10-110812942-A-C. GRCh37 (hg19) VCF-style: chr10-112572700-A-C.
Other names: short protein forms N849H.
Identifiers: ClinVar variation 1960775 (VCV001960775.5), dbSNP rs1419975027, ClinGen allele CA378374786.